The following is an entry in ClinVar:

ClinVar aggregate classification (germline): Uncertain significance. Review status: criteria provided, multiple submitters, no conflicts (2 of 4 stars). 3 submissions from 3 submitters: Uncertain significance (3). Last evaluated 2024-07-27.

Conditions:
Inborn genetic diseases. Identifiers: MedGen C0950123, MeSH D030342.
Developmental delay, hypotonia, musculoskeletal defects, and behavioral abnormalities. Identifiers: MedGen C5562012, MONDO:0859202, OMIM 619595.
Floating-Harbor syndrome (FLHS). Also called: SRCAP-Related Floating-Harbor Syndrome; Short stature with delayed bone age, expressive language delay, a triangular face with a prominent nose and deep-set eyes; Pelletier-Leisti syndrome. Identifiers: Orphanet 2044, MedGen C0729582, MONDO:0007621, OMIM 136140.

Allele frequency attached by ClinVar (database versions not stated): TOPMed below 0.00001; gnomAD exomes 0.00001; ExAC 0.00002; gnomAD 0.00005; 1000 Genomes Project 30x 0.00016; 1000 Genomes Project 0.00020.
gnomAD v4.1: 26 of 1,613,944 alleles (0.0016%); highest among the groups gnomAD compares: Admixed American, 0.022%; no homozygotes.

Submissions (3):

Ambry Genetics
Classification: Uncertain significance for Inborn genetic diseases. Last evaluated: 2024-07-27. Review status: criteria provided, single submitter. Criteria: Ambry Variant Classification Scheme 2023. Collection method: clinical testing. Allele origin: germline.

Fulgent Genetics
Classification: Uncertain significance for Floating-Harbor syndrome; Developmental delay, hypotonia, musculoskeletal defects, and behavioral abnormalities. Last evaluated: 2024-03-23. Review status: criteria provided, single submitter. Criteria: ACMG Guidelines, 2015. Collection method: clinical testing. Allele origin: germline.

Labcorp Genetics (formerly Invitae), Labcorp
Classification: Uncertain significance. Last evaluated: 2022-12-15. Review status: criteria provided, single submitter. Criteria: Invitae Variant Classification Sherloc (09022015). Collection method: clinical testing. Allele origin: germline.
Comment: This sequence change replaces arginine, which is basic and polar, with glutamine, which is neutral and polar, at codon 2965 of the SRCAP protein (p.Arg2965Gln). The frequency data for this variant in the population databases is considered unreliable, as metrics indicate poor data quality at this position in the gnomAD database. This variant has not been reported in the literature in individuals affected with SRCAP-related conditions. Advanced modeling of protein sequence and biophysical properties (such as structural, functional, and spatial information, amino acid conservation, physicochemical variation, residue mobility, and thermodynamic stability) has been performed at Invitae for this missense variant, however the output from this modeling did not meet the statistical confidence thresholds required to predict the impact of this variant on SRCAP protein function. In summary, the available evidence is currently insufficient to determine the role of this variant in disease. Therefore, it has been classified as a Variant of Uncertain Significance.

NM_006662.3(SRCAP):c.8894G>A (p.Arg2965Gln)

Gene: SRCAP (Snf2 related CREBBP activator protein; plus strand). Cytogenetic location: 16p11.2.
Variant type: single nucleotide variant.
Coding change: c.8894G>A on transcript NM_006662.3 (MANE Select); coding-DNA position 8894, G replaced by A.
Protein change: p.Arg2965Gln; replaces arginine 2965 with glutamine.
Molecular consequence: missense variant.
Genome position (GRCh38, 1-based): chr16:30,738,934, G>A. VCF-style: chr16-30738934-G-A. GRCh37 (hg19) VCF-style: chr16-30750255-G-A.
Other names: c.8894G>A (NM_006662.2); short protein forms R2965Q.
Identifiers: ClinVar variation 2958726 (VCV002958726.5), dbSNP rs201043719, ClinGen allele CA8012783.